The following is an entry in ClinVar:

ClinVar aggregate classification (germline): Uncertain significance. Review status: criteria provided, multiple submitters, no conflicts (2 of 4 stars). 2 submissions from 2 submitters: Uncertain significance (2). Last evaluated 2025-07-31.

Conditions:
Hereditary cancer-predisposing syndrome. Also called: Hereditary Cancer Syndrome; Neoplastic Syndromes, Hereditary; Hereditary neoplastic syndrome; Tumor predisposition. Identifiers: Orphanet 140162, MedGen C0027672, MeSH D009386, MONDO:0015356.
Neurofibromatosis, type 2 (SWNV). Also called: BILATERAL ACOUSTIC NEUROFIBROMATOSIS; SCHWANNOMATOSIS, VESTIBULAR; NF2-Related Schwannomatosis. Identifiers: Orphanet 637, MedGen C0027832, MONDO:0007039, OMIM 101000. Disease mechanism: loss of function.

Submissions (2):

Labcorp Genetics (formerly Invitae), Labcorp
Classification: Uncertain significance for Neurofibromatosis, type 2. Last evaluated: 2025-07-31. Review status: criteria provided, single submitter. Criteria: Invitae Variant Classification Sherloc (09022015). Collection method: clinical testing. Allele origin: germline.
Comment: This sequence change replaces histidine, which is basic and polar, with arginine, which is basic and polar, at codon 534 of the NF2 protein (p.His534Arg). This variant is not present in population databases (gnomAD no frequency). This variant has not been reported in the literature in individuals affected with NF2-related conditions. ClinVar contains an entry for this variant (Variation ID: 1431398). Invitae Evidence Modeling of protein sequence and biophysical properties (such as structural, functional, and spatial information, amino acid conservation, physicochemical variation, residue mobility, and thermodynamic stability) indicates that this missense variant is not expected to disrupt NF2 protein function with a negative predictive value of 80%. In summary, the available evidence is currently insufficient to determine the role of this variant in disease. Therefore, it has been classified as a Variant of Uncertain Significance.

Ambry Genetics
Classification: Uncertain significance for Hereditary cancer-predisposing syndrome. Last evaluated: 2024-04-04. Review status: criteria provided, single submitter. Criteria: Ambry Variant Classification Scheme 2023. Collection method: clinical testing. Allele origin: germline.
Comment: The p.H534R variant (also known as c.1601A>G), located in coding exon 15 of the NF2 gene, results from an A to G substitution at nucleotide position 1601. The histidine at codon 534 is replaced by arginine, an amino acid with highly similar properties. This amino acid position is conserved. In addition, the in silico prediction for this alteration is inconclusive. Since supporting evidence is limited at this time, the clinical significance of this alteration remains unclear.

NM_000268.4(NF2):c.1601A>G (p.His534Arg)

Gene: NF2 (NF2, moesin-ezrin-radixin like (MERLIN) tumor suppressor; plus strand). Cytogenetic location: 22q12.2.
Variant type: single nucleotide variant.
Coding change: c.1601A>G on transcript NM_000268.4 (MANE Select); coding-DNA position 1601, A replaced by G.
Protein change: p.His534Arg; replaces histidine 534 with arginine.
Molecular consequence: missense variant. On other transcripts: non-coding transcript variant (1), intron variant (1).
Genome position (GRCh38, 1-based): chr22:29,681,465, A>G. VCF-style: chr22-29681465-A-G. GRCh37 (hg19) VCF-style: chr22-30077454-A-G.
Other names: c.1601A>G, p.His534Arg (NM_016418.5, NM_181825.3, NM_181832.3); c.1475A>G, p.His492Arg (NM_181828.3); c.1478A>G, p.His493Arg (NM_181829.3); c.1352A>G, p.His451Arg (NM_181830.3, NM_181831.3); c.448-13287A>G (NM_181833.3); short protein forms H451R, H492R, H534R, H493R.
Identifiers: ClinVar variation 1431398 (VCV001431398.9), dbSNP rs2147122511, ClinGen allele CA411150049.